The following is an entry in ClinVar:

ClinVar aggregate classification (germline): Uncertain significance. Review status: criteria provided, multiple submitters, no conflicts (2 of 4 stars). 3 submissions from 3 submitters: Uncertain significance (3). Last evaluated 2023-07-29.

Conditions:
Colorectal cancer, susceptibility to, 1. Also called: COLORECTAL ADENOMA AND CANCER, SUSCEPTIBILITY TO; COLORECTAL CANCER, SUSCEPTIBILITY TO, ON CHROMOSOME 9. Identifiers: MedGen C1837315, MONDO:0012132, OMIM 608812.

Submissions (3):

Labcorp Genetics (formerly Invitae), Labcorp
Classification: Uncertain significance. Last evaluated: 2023-07-29. Review status: criteria provided, single submitter. Criteria: Invitae Variant Classification Sherloc (09022015). Collection method: clinical testing. Allele origin: germline.
Comment: This variant, c.59_67dup, results in the insertion of 3 amino acid(s) of the GALNT12 protein (p.Ala20_Leu22dup), but otherwise preserves the integrity of the reading frame. This variant is not present in population databases (gnomAD no frequency). This variant has not been reported in the literature in individuals affected with GALNT12-related conditions. ClinVar contains an entry for this variant (Variation ID: 485686). Experimental studies and prediction algorithms are not available or were not evaluated, and the functional significance of this variant is currently unknown. In summary, the available evidence is currently insufficient to determine the role of this variant in disease. Therefore, it has been classified as a Variant of Uncertain Significance.

Ambry Genetics
Classification: Uncertain significance. Last evaluated: 2022-05-13. Review status: criteria provided, single submitter. Criteria: Ambry Variant Classification Scheme 2023. Collection method: clinical testing. Allele origin: germline.
Comment: The c.59_67dupCGCTGTTGG variant (also known as p.A20_L22dup), located in coding exon 1 of the GALNT12 gene, results from an in-frame duplication of CGCTGTTGG at nucleotide positions 59 to 67. This results in the duplication of 3 residues (ALL) at codons 20 to 22. This region is well conserved in available vertebrate species. The evidence for this gene-disease relationship is limited; therefore, the clinical significance of this alteration is unclear.

Department of Pathology and Laboratory Medicine, Sinai Health System
Classification: Uncertain significance for Colorectal cancer, susceptibility to, 1. Last evaluated: 2021-09-23. Review status: criteria provided, single submitter. Criteria: ACMG Guidelines, 2015. Collection method: clinical testing. Allele origin: germline.

NM_024642.5(GALNT12):c.59_67dup (p.Ala20_Leu22dup)

Genes: GALNT12 (polypeptide N-acetylgalactosaminyltransferase 12; plus strand), LOC130002222 (ATAC-STARR-seq lymphoblastoid silent region 20123; plus strand). Cytogenetic location: 9q22.33.
Variant type: Duplication.
Coding change: c.59_67dup on transcript NM_024642.5 (MANE Select); coding-DNA positions 59 to 67, 9 bases duplicated (CGCTGTTGG; older notation c.59_67dupCGCTGTTGG).
Protein change: p.Ala20_Leu22dup.
Molecular consequence: inframe insertion.
Genome position (GRCh38, 1-based): chr9:98,807,757-98,807,765, CGCTGTTGG duplicated; duplicating any 9 consecutive bases within chr9:98,807,755-98,807,765 gives the same sequence; the c. name uses the placement nearest the transcript's 3' end. VCF-style (leftmost placement, unchanged base first): chr9-98807754-A-AGGCGCTGTT. GRCh37 (hg19) VCF-style: chr9-101570036-A-AGGCGCTGTT.
Other names: c.59_67dupCGCTGTTGG (NM_024642.4).
Identifiers: ClinVar variation 485686 (VCV000485686.15), dbSNP rs1554753747, ClinGen allele CA658657892.